The following is an entry in ClinVar:

NM_000059.4(BRCA2):c.8559del (p.Lys2853fs)

Gene: BRCA2 (BRCA2 DNA repair associated; plus strand). Cytogenetic location: 13q13.1.
Variant type: Deletion.
Coding change: c.8559del on transcript NM_000059.4 (MANE Select); coding-DNA position 8559, one base deleted (A; older notation c.8559delA).
Protein change: p.Lys2853fs; shifts the reading frame from lysine 2853.
Molecular consequence: frameshift variant.
Genome position (GRCh38, 1-based): chr13:32,371,027, A deleted; the last of 4 consecutive A bases (chr13:32,371,024-32,371,027); deleting any one gives the same sequence. VCF-style (leftmost placement, unchanged base first): chr13-32371023-CA-C. GRCh37 (hg19) VCF-style: chr13-32945160-CA-C.
Other names: c.8559delA (NM_000059.3); short protein forms K2853fs.
Identifiers: ClinVar variation 842149 (VCV000842149.10), dbSNP rs2072829506, ClinGen allele CA916080527.

ClinVar aggregate classification (germline): Pathogenic. Review status: criteria provided, multiple submitters, no conflicts (2 of 4 stars). 3 submissions from 3 submitters: Pathogenic (3). Last evaluated 2025-10-30.

Conditions:
Breast-ovarian cancer, familial, susceptibility to, 2 (BROVCA2). Also called: BRCA2 Hereditary Breast and Ovarian Cancer. Identifiers: Orphanet 145, MedGen C2675520, MONDO:0012933, OMIM 612555. Disease mechanism: loss of function.
Hereditary breast ovarian cancer syndrome. Also called: Breast and ovarian cancer; Hereditary breast and/or ovarian cancer syndrome; Hereditary breast and ovarian cancer; Hereditary breast and ovarian cancer syndrome; BRCA1- and BRCA2-Associated Hereditary Breast and Ovarian Cancer; Hereditary breast and ovarian cancer syndrome (HBOC). Identifiers: Orphanet 145, MedGen C0677776, MeSH D061325, MONDO:0003582. Disease mechanism: loss of function.
Hereditary cancer-predisposing syndrome. Also called: Neoplastic Syndromes, Hereditary; Hereditary neoplastic syndrome; Tumor predisposition; Hereditary Cancer Syndrome. Identifiers: Orphanet 140162, MedGen C0027672, MeSH D009386, MONDO:0015356.

Submissions (3):

Ambry Genetics
Classification: Pathogenic for Hereditary cancer-predisposing syndrome. Last evaluated: 2025-10-30. Review status: criteria provided, single submitter. Criteria: Ambry Variant Classification Scheme 2023. Collection method: clinical testing. Allele origin: germline.
Comment: The c.8559delA pathogenic mutation, located in coding exon 19 of the BRCA2 gene, results from a deletion of one nucleotide at nucleotide position 8559, causing a translational frameshift with a predicted alternate stop codon (p.K2853Nfs*10). This variant is considered to be rare based on population cohorts in the Genome Aggregation Database (gnomAD). This alteration is expected to result in loss of function by premature protein truncation or nonsense-mediated mRNA decay. As such, this alteration is interpreted as a disease-causing mutation.

Myriad Genetics, Inc.
Classification: Pathogenic for Breast-ovarian cancer, familial, susceptibility to, 2. Last evaluated: 2024-05-13. Review status: criteria provided, single submitter. Criteria: Myriad Autosomal Dominant, Autosomal Recessive and X-Linked Classification Criteria (2023). Collection method: clinical testing. Allele origin: unknown.
Comment: This variant is considered pathogenic. This variant creates a frameshift predicted to result in premature protein truncation.

Labcorp Genetics (formerly Invitae), Labcorp
Classification: Pathogenic for Hereditary breast ovarian cancer syndrome. Last evaluated: 2023-03-20. Review status: criteria provided, single submitter. Criteria: Invitae Variant Classification Sherloc (09022015). Collection method: clinical testing. Allele origin: germline.
Comment: This variant is not present in population databases (gnomAD no frequency). This variant has not been reported in the literature in individuals affected with BRCA2-related conditions. ClinVar contains an entry for this variant (Variation ID: 842149). For these reasons, this variant has been classified as Pathogenic. This sequence change creates a premature translational stop signal (p.Lys2853Asnfs*10) in the BRCA2 gene. It is expected to result in an absent or disrupted protein product. Loss-of-function variants in BRCA2 are known to be pathogenic (PMID: 20104584).

Literature cited by the submitters: PubMed 20104584 (cited by Labcorp Genetics (formerly Invitae), Labcorp).